The following is an entry in ClinVar:

NM_000204.5(CFI):c.1149-10del

Gene: CFI (complement factor I; minus strand). Cytogenetic location: 4q25.
Variant type: Deletion.
Coding change: c.1149-10del on transcript NM_000204.5 (MANE Select); 10 bases into the intron before coding-DNA position 1149, one base deleted (T; older notation c.1149-10delT).
Molecular consequence: intron variant.
Genome position (GRCh38, 1-based): chr4:109,746,512, A deleted on the plus strand (T on the coding strand, the reverse complement: CFI is on the minus strand); the first of 9 consecutive A bases (chr4:109,746,512-109,746,520); deleting any one gives the same sequence. VCF-style (leftmost placement, unchanged base first): chr4-109746511-GA-G. GRCh37 (hg19) VCF-style: chr4-110667667-GA-G.
Other names: c.1173-10del (NM_001375278.1, NM_001318057.2); c.540-10del (NM_001375284.1); c.1092-10del (NM_001375283.1); c.1128-10del (NM_001331035.2, NM_001375282.1, NM_001375280.1); c.1149-10delT (NM_000204.4); c.1149-10del (NM_001375281.1, NM_001375279.1).
Identifiers: ClinVar variation 2886217 (VCV002886217.5), dbSNP rs746544011, ClinGen allele CA3041990.

ClinVar aggregate classification (germline): Benign. Review status: criteria provided, single submitter (1 of 4 stars). 2 submissions from 2 submitters: Benign (1). 1 of the submissions does not count toward it. Last evaluated 2025-04-22.

Conditions:
CFI-related disorder. Also called: CFI-related disorders; CFI-related condition. Identifiers: MedGen CN239325.

Submissions (2):

Labcorp Genetics (formerly Invitae), Labcorp
Classification: Benign. Last evaluated: 2025-04-22. Review status: criteria provided, single submitter. Criteria: Invitae Variant Classification Sherloc (09022015). Collection method: clinical testing. Allele origin: germline.

PreventionGenetics, part of Exact Sciences
Classification: Likely benign for CFI-related condition. Last evaluated: 2019-06-12. Review status: no assertion criteria provided. Collection method: clinical testing. Allele origin: germline. Not counted in ClinVar's aggregate classification.
Comment: This variant is classified as likely benign based on ACMG/AMP sequence variant interpretation guidelines (Richards et al. 2015 PMID: 25741868, with internal and published modifications).